The following is an entry in ClinVar:

NM_000587.4(C7):c.1088del (p.Ala363fs)

Gene: C7 (complement C7; plus strand). Cytogenetic location: 5p13.1.
Variant type: Deletion.
Coding change: c.1088del on transcript NM_000587.4 (MANE Select); coding-DNA position 1088, one base deleted (C; older notation c.1088delC).
Protein change: p.Ala363fs; shifts the reading frame from alanine 363.
Molecular consequence: frameshift variant.
Genome position (GRCh38, 1-based): chr5:40,950,009, C deleted. VCF-style (leftmost placement, unchanged base first): chr5-40950008-GC-G. GRCh37 (hg19) VCF-style: chr5-40950110-GC-G.
Other names: short protein forms A363fs.
Identifiers: ClinVar variation 3619308 (VCV003619308.2).

ClinVar aggregate classification (germline): Pathogenic (1 of 4 stars; one submission).

Submission:

Labcorp Genetics (formerly Invitae), Labcorp
Classification: Pathogenic. Last evaluated: 2024-05-06. Review status: criteria provided, single submitter. Criteria: Invitae Variant Classification Sherloc (09022015). Collection method: clinical testing. Allele origin: germline.
Comment: This sequence change creates a premature translational stop signal (p.Ala363Valfs*29) in the C7 gene. It is expected to result in an absent or disrupted protein product. Loss-of-function variants in C7 are known to be pathogenic (PMID: 9856499, 17407100). This variant is not present in population databases (gnomAD no frequency). This variant has not been reported in the literature in individuals affected with C7-related conditions. For these reasons, this variant has been classified as Pathogenic.

Literature cited by the submitters: PubMed 9856499; PubMed 17407100.